The following is an entry in ClinVar:

NM_080916.3(DGUOK):c.141T>G (p.Ile47Met)

Genes: DGUOK (deoxyguanosine kinase; plus strand), LOC129934096 (ATAC-STARR-seq lymphoblastoid active region 16036; plus strand). Cytogenetic location: 2p13.1.
Variant type: single nucleotide variant.
Coding change: c.141T>G on transcript NM_080916.3 (MANE Select); coding-DNA position 141, T replaced by G.
Protein change: p.Ile47Met; replaces isoleucine 47 with methionine.
Molecular consequence: missense variant. On other transcripts: 5 prime UTR variant (4), non-coding transcript variant (6).
Genome position (GRCh38, 1-based): chr2:73,927,051, T>G. VCF-style: chr2-73927051-T-G. GRCh37 (hg19) VCF-style: chr2-74154178-T-G.
Other names: c.141T>G, p.Ile47Met (NM_001318859.2, NM_080918.3); c.-38T>G (NM_001318860.2, NM_001318863.2); c.-124T>G (NM_001318861.2, NM_001318862.2); short protein forms I47M.
Identifiers: ClinVar variation 1955362 (VCV001955362.4), dbSNP rs1573490202, ClinGen allele CA347296818.

ClinVar aggregate classification (germline): Uncertain significance (1 of 4 stars; one submission).

Submission:

Labcorp Genetics (formerly Invitae), Labcorp
Classification: Uncertain significance. Last evaluated: 2024-02-24. Review status: criteria provided, single submitter. Criteria: Invitae Variant Classification Sherloc (09022015). Collection method: clinical testing. Allele origin: germline.
Comment: This sequence change replaces isoleucine, which is neutral and non-polar, with methionine, which is neutral and non-polar, at codon 47 of the DGUOK protein (p.Ile47Met). This variant is not present in population databases (gnomAD no frequency). This variant has not been reported in the literature in individuals affected with DGUOK-related conditions. ClinVar contains an entry for this variant (Variation ID: 1955362). An algorithm developed to predict the effect of missense changes on protein structure and function (PolyPhen-2) suggests that this variant is likely to be disruptive. In summary, the available evidence is currently insufficient to determine the role of this variant in disease. Therefore, it has been classified as a Variant of Uncertain Significance.